The following is an entry in ClinVar:

ClinVar aggregate classification (germline): Uncertain significance (1 of 4 stars; one submission).

Conditions:
Inborn genetic diseases. Identifiers: MedGen C0950123, MeSH D030342.

Submission:

Ambry Genetics
Classification: Uncertain significance for Inborn genetic diseases. Last evaluated: 2025-07-03. Review status: criteria provided, single submitter. Criteria: Ambry Variant Classification Scheme 2023. Collection method: clinical testing. Allele origin: germline.
Comment: The p.Q602H variant (also known as c.1806G>C), located in coding exon 17 of the DDX41 gene, results from a G to C substitution at nucleotide position 1806. The glutamine at codon 602 is replaced by histidine, an amino acid with highly similar properties. This amino acid position is conserved. In addition, the in silico prediction for this alteration is inconclusive. Based on the available evidence, the clinical significance of this variant remains unclear.

NM_016222.4(DDX41):c.1806G>C (p.Gln602His)

Gene: DDX41 (DEAD-box helicase 41; minus strand). Cytogenetic location: 5q35.3.
Variant type: single nucleotide variant.
Coding change: c.1806G>C on transcript NM_016222.4 (MANE Select); coding-DNA position 1806, G replaced by C.
Protein change: p.Gln602His; replaces glutamine 602 with histidine.
Molecular consequence: missense variant.
Genome position (GRCh38, 1-based): chr5:177,511,854, C>G on the plus strand (G>C on the coding strand, the complement: DDX41 is on the minus strand). VCF-style: chr5-177511854-C-G. GRCh37 (hg19) VCF-style: chr5-176938855-C-G.
Other names: c.1428G>C, p.Gln476His (NM_001321732.2, NM_001321830.2); short protein forms Q476H, Q602H.
Identifiers: ClinVar variation 4238755 (VCV004238755.1).
Genomic context (GRCh38, chr5:177,511,854, plus strand): 5'-GAAGTCCATGGAGCTGTGGGCCAGGTAGTCCTTGCGACCGATGTTGCTGACCTGCTTGGT[C>G]TGCATAGCCTCGAGTTTGGGGCAGTCAGTGATCCGATGACCCAGGCCCCCGCAGAAGGCA-3'
Protein context (NP_057306.2, residues 592-612): ITDCPKLEAM[Gln602His]TKQVSNIGRK